The following is an entry in ClinVar:

ClinVar aggregate classification (germline): Uncertain significance (1 of 4 stars; one submission).

Conditions:
Cardiovascular phenotype. Identifiers: MedGen CN230736.

Submission:

Ambry Genetics
Classification: Uncertain significance for Cardiovascular phenotype. Last evaluated: 2023-02-12. Review status: criteria provided, single submitter. Criteria: Ambry Variant Classification Scheme 2023. Collection method: clinical testing. Allele origin: germline.
Comment: The p.R739I variant (also known as c.2216G>T), located in coding exon 9 of the RBM20 gene, results from a G to T substitution at nucleotide position 2216. The arginine at codon 739 is replaced by isoleucine, an amino acid with similar properties. This amino acid position is conserved. In addition, the in silico prediction for this alteration is inconclusive. Since supporting evidence is limited at this time, the clinical significance of this alteration remains unclear.

NM_001134363.3(RBM20):c.2216G>T (p.Arg739Ile)

Gene: RBM20 (RNA binding motif protein 20; plus strand). Cytogenetic location: 10q25.2.
Variant type: single nucleotide variant.
Coding change: c.2216G>T on transcript NM_001134363.3 (MANE Select); coding-DNA position 2216, G replaced by T.
Protein change: p.Arg739Ile; replaces arginine 739 with isoleucine.
Molecular consequence: missense variant.
Genome position (GRCh38, 1-based): chr10:110,812,613, G>T. VCF-style: chr10-110812613-G-T. GRCh37 (hg19) VCF-style: chr10-112572371-G-T.
Other names: short protein forms R739I.
Identifiers: ClinVar variation 2449398 (VCV002449398.2), dbSNP rs2493474717, ClinGen allele CA378372759.